The following is an entry in ClinVar:

ClinVar aggregate classification (germline): Uncertain significance (1 of 4 stars; one submission).

Submission:

GeneDx
Classification: Uncertain significance. Last evaluated: 2025-09-17. Review status: criteria provided, single submitter. Criteria: GeneDx Variant Classification Process June 2021. Collection method: clinical testing. Allele origin: germline.
Comment: Not observed at significant frequency in large population cohorts (gnomAD); In silico analysis supports a deleterious effect on splicing; Has not been previously published as pathogenic or benign to our knowledge

NM_006445.4(PRPF8):c.5377-4_5377-3del

Gene: PRPF8 (pre-mRNA processing factor 8; minus strand). Cytogenetic location: 17p13.3.
Variant type: Microsatellite.
Coding change: c.5377-4_5377-3del on transcript NM_006445.4 (MANE Select); 4 bases into the intron before coding-DNA position 5377 through 3 bases into the intron before coding-DNA position 5377, 2 bases deleted (CT; older notation c.5377-4_5377-3delCT).
Molecular consequence: intron variant.
Genome position (GRCh38, 1-based): chr17:1,658,384-1,658,385, AG deleted on the plus strand (CT on the coding strand, the reverse complement: PRPF8 is on the minus strand); deleting any 2 consecutive bases within chr17:1,658,384-1,658,387 gives the same sequence; the c. name uses the placement nearest the transcript's 3' end. VCF-style (leftmost placement, unchanged base first): chr17-1658383-TAG-T. GRCh37 (hg19) VCF-style: chr17-1561677-TAG-T.
Identifiers: ClinVar variation 3375886 (VCV003375886.2).